The following is an entry in ClinVar:

NM_000382.3(ALDH3A2):c.465A>C (p.Leu155Phe)

Gene: ALDH3A2 (aldehyde dehydrogenase 3 family member A2; plus strand). Cytogenetic location: 17p11.2.
Variant type: single nucleotide variant.
Coding change: c.465A>C on transcript NM_000382.3 (MANE Select); coding-DNA position 465, A replaced by C.
Protein change: p.Leu155Phe; replaces leucine 155 with phenylalanine.
Molecular consequence: missense variant. On other transcripts: 5 prime UTR variant (1).
Genome position (GRCh38, 1-based): chr17:19,652,626, A>C. VCF-style: chr17-19652626-A-C. GRCh37 (hg19) VCF-style: chr17-19555939-A-C.
Other names: c.465A>C, p.Leu155Phe (NM_001031806.2, NM_001369136.1, NM_001369137.2 and 3 more transcripts); c.-224A>C (NM_001369148.2); short protein forms L155F.
Identifiers: ClinVar variation 2182453 (VCV002182453.1), dbSNP rs149865400, ClinGen allele CA398703475.

ClinVar aggregate classification (germline): Uncertain significance (1 of 4 stars; one submission).

Submission:

Labcorp Genetics (formerly Invitae), Labcorp
Classification: Uncertain significance. Last evaluated: 2022-02-12. Review status: criteria provided, single submitter. Criteria: Invitae Variant Classification Sherloc (09022015). Collection method: clinical testing. Allele origin: germline.
Comment: This sequence change replaces leucine, which is neutral and non-polar, with phenylalanine, which is neutral and non-polar, at codon 155 of the ALDH3A2 protein (p.Leu155Phe). This variant is present in population databases (no rsID available, gnomAD 0.007%). This variant has not been reported in the literature in individuals affected with ALDH3A2-related conditions. Advanced modeling of protein sequence and biophysical properties (such as structural, functional, and spatial information, amino acid conservation, physicochemical variation, residue mobility, and thermodynamic stability) performed at Invitae indicates that this missense variant is not expected to disrupt ALDH3A2 protein function. In summary, the available evidence is currently insufficient to determine the role of this variant in disease. Therefore, it has been classified as a Variant of Uncertain Significance.